The following is an entry in ClinVar:

ClinVar aggregate classification (germline): Uncertain significance. Review status: criteria provided, multiple submitters, no conflicts (2 of 4 stars). 6 submissions from 6 submitters: Uncertain significance (6). Last evaluated 2026-01-26.

Conditions:
Classic or attenuated familial adenomatous polyposis. Identifiers: MedGen CN372698, MONDO:0021057.
Familial adenomatous polyposis 1 (FAP1). Also called: FAMILIAL ADENOMATOUS POLYPOSIS 1, ATTENUATED; POLYPOSIS, ADENOMATOUS INTESTINAL. Identifiers: MedGen C2713442, MONDO:0021056, OMIM 175100. Disease mechanism: loss of function.
Hereditary cancer-predisposing syndrome. Also called: Neoplastic Syndromes, Hereditary; Tumor predisposition; Hereditary Cancer Syndrome; Hereditary neoplastic syndrome. Identifiers: Orphanet 140162, MedGen C0027672, MeSH D009386, MONDO:0015356.

Submissions (6):

Labcorp Genetics (formerly Invitae), Labcorp
Classification: Uncertain significance for Familial adenomatous polyposis 1. Last evaluated: 2026-01-26. Review status: criteria provided, single submitter. Criteria: Invitae Variant Classification Sherloc (09022015). Collection method: clinical testing. Allele origin: germline.
Comment: This sequence change replaces serine, which is neutral and polar, with cysteine, which is neutral and slightly polar, at codon 1415 of the APC protein (p.Ser1415Cys). This variant is not present in population databases (gnomAD no frequency). This variant has not been reported in the literature in individuals affected with APC-related conditions. ClinVar contains an entry for this variant (Variation ID: 233841). Invitae Evidence Modeling of protein sequence and biophysical properties (such as structural, functional, and spatial information, amino acid conservation, physicochemical variation, residue mobility, and thermodynamic stability) has been performed for this missense variant. However, the output from this modeling did not meet the statistical confidence thresholds required to predict the impact of this variant on APC protein function. In summary, the available evidence is currently insufficient to determine the role of this variant in disease. Therefore, it has been classified as a Variant of Uncertain Significance.

Ambry Genetics
Classification: Uncertain significance for Hereditary cancer-predisposing syndrome. Last evaluated: 2024-11-20. Review status: criteria provided, single submitter. Criteria: Ambry Variant Classification Scheme 2023. Collection method: clinical testing. Allele origin: germline.
Comment: The p.S1415C variant (also known as c.4243A>T), located in coding exon 15 of the APC gene, results from an A to T substitution at nucleotide position 4243. The serine at codon 1415 is replaced by cysteine, an amino acid with dissimilar properties. This amino acid position is highly conserved in available vertebrate species. Missense alterations in APC are not a common cause of disease (Spier I et al. Genet Med. 2024 Feb;26(2):100992). In addition, in silico predictors for this gene do not accurately predict pathogenicity. Since supporting evidence is limited at this time, the clinical significance of this alteration remains unclear.

Color Diagnostics, LLC DBA Color Health
Classification: Uncertain significance for Hereditary cancer-predisposing syndrome. Last evaluated: 2024-03-06. Review status: criteria provided, single submitter. Criteria: ACMG Guidelines, 2015. Collection method: clinical testing. Allele origin: germline.
Comment: This missense variant replaces serine with cysteine at codon 1415 of the APC protein. Computational prediction suggests that this variant may have deleterious impact on protein structure and function (internally defined REVEL score threshold >= 0.7, PMID: 27666373). To our knowledge, functional studies have not been reported for this variant. This variant has not been reported in individuals affected with APC-related disorders in the literature. This variant has not been identified in the general population by the Genome Aggregation Database (gnomAD). The available evidence is insufficient to determine the role of this variant in disease conclusively. Therefore, this variant is classified as a Variant of Uncertain Significance.

Baylor Genetics
Classification: Uncertain significance for Familial adenomatous polyposis 1. Last evaluated: 2023-07-27. Review status: criteria provided, single submitter. Criteria: ACMG Guidelines, 2015. Collection method: clinical testing. Allele origin: unknown.

All of Us Research Program, National Institutes of Health
Classification: Uncertain significance for Classic or attenuated familial adenomatous polyposis. Last evaluated: 2023-04-03. Review status: criteria provided, single submitter. Criteria: ACMG Guidelines, 2015. Collection method: clinical testing. Allele origin: germline. Inheritance: Autosomal dominant inheritance. Observed: 1 variant allele, 1 heterozygote.
Comment: This missense variant replaces serine with cysteine at codon 1415 of the APC protein. Computational prediction is inconclusive regarding the impact of this variant on protein structure and function (internally defined REVEL score threshold 0.5 < inconclusive < 0.7, PMID: 27666373). To our knowledge, functional studies have not been reported for this variant. This variant has not been reported in individuals affected with hereditary cancer in the literature. This variant has not been identified in the general population by the Genome Aggregation Database (gnomAD). The available evidence is insufficient to determine the role of this variant in disease conclusively. Therefore, this variant is classified as a Variant of Uncertain Significance.

This study involves interpretation of variants in research participants for the purpose of population health screening. Participant phenotype was not available at the time of variant classification. Additional details can be found in publication PMID: 35346344, PMCID: PMC8962531

Sema4
Classification: Uncertain significance for Hereditary cancer-predisposing syndrome. Last evaluated: 2021-09-17. Review status: criteria provided, single submitter. Criteria: Sema4 Curation Guidelines. Collection method: curation. Allele origin: germline.
Comment: The APC c.4243A>T (p.S1415C) variant has not been reported in the literature to our knowledge. It was not observed in the large and broad cohorts of the Genome Aggregation Database (PMID: 32461654). This variant has been reported in ClinVar (Variation ID 233841). In silico tools suggest the impact of the variant on protein function is deleterious, though these predictions have not been confirmed by functional studies. The evidence is insufficient to meet ACMG/AMP criteria for classifying the variant as benign or pathogenic. Thus, the clinical significance of this variant is currently uncertain.

NM_000038.6(APC):c.4243A>T (p.Ser1415Cys)

Gene: APC (APC regulator of Wnt signaling pathway; plus strand). Cytogenetic location: 5q22.2.
Variant type: single nucleotide variant.
Coding change: c.4243A>T on transcript NM_000038.6 (MANE Select); coding-DNA position 4243, A replaced by T.
Protein change: p.Ser1415Cys; replaces serine 1415 with cysteine.
Molecular consequence: missense variant.
Genome position (GRCh38, 1-based): chr5:112,839,837, A>T. VCF-style: chr5-112839837-A-T. GRCh37 (hg19) VCF-style: chr5-112175534-A-T.
Other names: c.4243A>T, p.Ser1415Cys (NM_001127510.3, NM_001354895.2); c.4189A>T, p.Ser1397Cys (NM_001127511.3); c.4297A>T, p.Ser1433Cys (NM_001354896.2); c.4273A>T, p.Ser1425Cys (NM_001354897.2); c.4168A>T, p.Ser1390Cys (NM_001354898.2); c.4159A>T, p.Ser1387Cys (NM_001354899.2); c.4120A>T, p.Ser1374Cys (NM_001354900.2); c.4066A>T, p.Ser1356Cys (NM_001354901.2); and 5 more; short protein forms S1397C, S1415C, S1387C, S1390C, S1425C, S1289C, S1314C, S1374C.
Identifiers: ClinVar variation 233841 (VCV000233841.22), dbSNP rs876660677, ClinGen allele CA10578372.